The following is an entry in ClinVar:

NM_001851.6(COL9A1):c.140T>C (p.Ile47Thr)

Gene: COL9A1 (collagen type IX alpha 1 chain; minus strand). Cytogenetic location: 6q13.
Variant type: single nucleotide variant.
Coding change: c.140T>C on transcript NM_001851.6 (MANE Select); coding-DNA position 140, T replaced by C.
Protein change: p.Ile47Thr; replaces isoleucine 47 with threonine.
Molecular consequence: missense variant.
Genome position (GRCh38, 1-based): chr6:70,300,335, A>G on the plus strand (T>C on the coding strand, the complement: COL9A1 is on the minus strand). VCF-style: chr6-70300335-A-G. GRCh37 (hg19) VCF-style: chr6-71010038-A-G.
Other names: c.140T>C, p.Ile47Thr (NM_001377291.1); short protein forms I47T.
Identifiers: ClinVar variation 1008604 (VCV001008604.6), dbSNP rs1774015865, ClinGen allele CA364675079.

ClinVar aggregate classification (germline): Uncertain significance (1 of 4 stars; one submission).

Submission:

Labcorp Genetics (formerly Invitae), Labcorp
Classification: Uncertain significance. Last evaluated: 2021-09-01. Review status: criteria provided, single submitter. Criteria: Invitae Variant Classification Sherloc (09022015). Collection method: clinical testing. Allele origin: germline.
Comment: This sequence change replaces isoleucine with threonine at codon 47 of the COL9A1 protein (p.Ile47Thr). The isoleucine residue is moderately conserved and there is a moderate physicochemical difference between isoleucine and threonine. This variant is not present in population databases (ExAC no frequency). This variant has not been reported in the literature in individuals affected with COL9A1-related conditions. Experimental studies and prediction algorithms are not available or were not evaluated, and the functional significance of this variant is currently unknown. In summary, the available evidence is currently insufficient to determine the role of this variant in disease. Therefore, it has been classified as a Variant of Uncertain Significance.